The following is an entry in ClinVar:

ClinVar aggregate classification (germline): Uncertain significance (1 of 4 stars; one submission).

Conditions:
Cardiovascular phenotype. Identifiers: MedGen CN230736.

gnomAD v4.1: 5 of 1,614,130 alleles (0.00031%); highest among the groups gnomAD compares: South Asian, 0.0055%; no homozygotes.

Submission:

Ambry Genetics
Classification: Uncertain significance for Cardiovascular phenotype. Last evaluated: 2026-08-19. Review status: criteria provided, single submitter. Criteria: Ambry Variant Classification Scheme 2023. Collection method: clinical testing. Allele origin: germline.
Comment: The p.K1223N variant (also known as c.3669G>T), located in coding exon 50 of the COL1A2 gene, results from a G to T substitution at nucleotide position 3669. The lysine at codon 1223 is replaced by asparagine, an amino acid with similar properties. This amino acid position is conserved. In addition, this alteration is predicted to be tolerated by in silico analysis. Based on the available evidence, the clinical significance of this variant remains unclear.

NM_000089.4(COL1A2):c.3669G>T (p.Lys1223Asn)

Gene: COL1A2 (collagen type I alpha 2 chain; plus strand). Cytogenetic location: 7q21.3.
Variant type: single nucleotide variant.
Coding change: c.3669G>T on transcript NM_000089.4 (MANE Select); coding-DNA position 3669, G replaced by T.
Protein change: p.Lys1223Asn; replaces lysine 1223 with asparagine.
Molecular consequence: missense variant.
Genome position (GRCh38, 1-based): chr7:94,428,435, G>T. VCF-style: chr7-94428435-G-T. GRCh37 (hg19) VCF-style: chr7-94057747-G-T.
Other names: short protein forms K1223N.
Identifiers: ClinVar variation 5034736 (VCV005034736.1).
Genomic context (GRCh38, chr7:94,428,435, plus strand): 5'-TATCCGGGCCCAACCTGAAAACATCCCAGCCAAGAACTGGTATAGGAGCTCCAAGGACAA[G>T]AAACACGTCTGGCTAGGAGAAACTATCAATGCTGGCAGCCAGGTGAGGAATCCCACAAAC-3'
Protein context (NP_000080.2, residues 1213-1233): AKNWYRSSKD[Lys1223Asn]KHVWLGETIN